The following is an entry in ClinVar:

NM_001171.6(ABCC6):c.4477T>C (p.Phe1493Leu)

Gene: ABCC6 (ATP binding cassette subfamily C member 6; minus strand). Cytogenetic location: 16p13.11.
Variant type: single nucleotide variant.
Coding change: c.4477T>C on transcript NM_001171.6 (MANE Select); coding-DNA position 4477, T replaced by C.
Protein change: p.Phe1493Leu; replaces phenylalanine 1493 with leucine.
Molecular consequence: missense variant. On other transcripts: non-coding transcript variant (1).
Genome position (GRCh38, 1-based): chr16:16,150,168, A>G on the plus strand (T>C on the coding strand, the complement: ABCC6 is on the minus strand). VCF-style: chr16-16150168-A-G. GRCh37 (hg19) VCF-style: chr16-16244025-A-G.
Other names: c.4135T>C, p.Phe1379Leu (NM_001351800.1); short protein forms F1379L, F1493L.
Identifiers: ClinVar variation 1431005 (VCV001431005.9), dbSNP rs778956327, ClinGen allele CA7925153.

ClinVar aggregate classification (germline): Uncertain significance. Review status: criteria provided, multiple submitters, no conflicts (2 of 4 stars). 3 submissions from 3 submitters: Uncertain significance (3). Last evaluated 2025-04-16.

Conditions:
Arterial calcification, generalized, of infancy, 2. Identifiers: Orphanet 51608, MedGen C3276161, MONDO:0013768, OMIM 614473.
Autosomal recessive inherited pseudoxanthoma elasticum (PXE). Identifiers: Orphanet 758, MedGen CN032334, MONDO:0009925, OMIM 264800.
Pseudoxanthoma elasticum, forme fruste. Also called: Pseudoxanthoma Elasticum, Incomplete; PSEUDOXANTHOMA ELASTICUM, HETEROZYGOUS. Identifiers: Orphanet 758, MedGen C1867450, MONDO:0008333, OMIM 177850.

Allele frequency attached by ClinVar (database versions not stated): ExAC 0.00003; gnomAD exomes 0.00004; gnomAD 0.00006; TOPMed 0.00006.
gnomAD v4.1: 87 of 1,613,168 alleles (0.0054%); highest among the groups gnomAD compares: African/African-American, 0.0093%; no homozygotes.

Submissions (3):

Labcorp Genetics (formerly Invitae), Labcorp
Classification: Uncertain significance. Last evaluated: 2025-04-16. Review status: criteria provided, single submitter. Criteria: Invitae Variant Classification Sherloc (09022015). Collection method: clinical testing. Allele origin: germline.
Comment: This sequence change replaces phenylalanine, which is neutral and non-polar, with leucine, which is neutral and non-polar, at codon 1493 of the ABCC6 protein (p.Phe1493Leu). This variant is present in population databases (rs778956327, gnomAD 0.01%). This variant has not been reported in the literature in individuals affected with ABCC6-related conditions. ClinVar contains an entry for this variant (Variation ID: 1431005). Invitae Evidence Modeling of protein sequence and biophysical properties (such as structural, functional, and spatial information, amino acid conservation, physicochemical variation, residue mobility, and thermodynamic stability) has been performed for this missense variant. However, the output from this modeling did not meet the statistical confidence thresholds required to predict the impact of this variant on ABCC6 protein function. In summary, the available evidence is currently insufficient to determine the role of this variant in disease. Therefore, it has been classified as a Variant of Uncertain Significance.

Fulgent Genetics
Classification: Uncertain significance for Pseudoxanthoma elasticum, forme fruste; Autosomal recessive inherited pseudoxanthoma elasticum; Arterial calcification, generalized, of infancy, 2. Last evaluated: 2024-04-07. Review status: criteria provided, single submitter. Criteria: ACMG Guidelines, 2015. Collection method: clinical testing. Allele origin: germline.

Blueprint Genetics
Classification: Uncertain significance. Last evaluated: 2023-08-10. Review status: criteria provided, single submitter. Criteria: ACMG Guidelines, 2015. Collection method: clinical testing. Allele origin: germline.